The following is an entry in ClinVar:

NM_001080449.3(DNA2):c.2822del (p.Ala941fs)

Gene: DNA2 (DNA replication helicase/nuclease 2; minus strand). Cytogenetic location: 10q21.3.
Variant type: Deletion.
Coding change: c.2822del on transcript NM_001080449.3 (MANE Select); coding-DNA position 2822, one base deleted (C; older notation c.2822delC).
Protein change: p.Ala941fs; shifts the reading frame from alanine 941.
Molecular consequence: frameshift variant. On other transcripts: non-coding transcript variant (1).
Genome position (GRCh38, 1-based): chr10:68,419,179, G deleted on the plus strand (C on the coding strand, the reverse complement: DNA2 is on the minus strand). VCF-style (leftmost placement, unchanged base first): chr10-68419178-TG-T. GRCh37 (hg19) VCF-style: chr10-70178935-TG-T.
Other names: short protein forms A941fs.
Identifiers: ClinVar variation 4715532 (VCV004715532.1).
Genomic context (GRCh38, chr10:68,419,178, plus strand): 5'-GACCATCCCAATAGAACGTGCCAATAAATCATTGATGATCTTTAATTGCTGCCTGTACGG[TG>T]CAATAATACCAATATCAGAGGGACTGCATCCAGCCTAAATAGAAAAAGACACAATTTAAA-3'

ClinVar aggregate classification (germline): Uncertain significance (1 of 4 stars; one submission).

Submission:

Labcorp Genetics (formerly Invitae), Labcorp
Classification: Uncertain significance. Last evaluated: 2025-03-20. Review status: criteria provided, single submitter. Criteria: Invitae Variant Classification Sherloc (09022015). Collection method: clinical testing. Allele origin: germline.
Comment: This sequence change creates a premature translational stop signal (p.Ala941Aspfs*7) in the DNA2 gene. It is expected to result in an absent or disrupted protein product. However, the current clinical and genetic evidence is not sufficient to establish whether loss-of-function variants in DNA2 cause disease. This variant is not present in population databases (gnomAD no frequency). This variant has not been reported in the literature in individuals affected with DNA2-related conditions. Algorithms developed to predict the effect of sequence changes on RNA splicing suggest that this variant may disrupt the consensus splice site. In summary, the available evidence is currently insufficient to determine the role of this variant in disease. Therefore, it has been classified as a Variant of Uncertain Significance.